The following is an entry in ClinVar:

NM_001377.3(DYNC2H1):c.4018C>T (p.Gln1340Ter)

Gene: DYNC2H1 (dynein cytoplasmic 2 heavy chain 1; plus strand). Cytogenetic location: 11q22.3.
Variant type: single nucleotide variant.
Coding change: c.4018C>T on transcript NM_001377.3 (MANE Select); coding-DNA position 4018, C replaced by T.
Protein change: p.Gln1340Ter; replaces glutamine 1340 with a stop codon.
Molecular consequence: nonsense.
Genome position (GRCh38, 1-based): chr11:103,156,661, C>T. VCF-style: chr11-103156661-C-T. GRCh37 (hg19) VCF-style: chr11-103027390-C-T.
Other names: c.4018C>T, p.Gln1340Ter (NM_001080463.2); short protein forms Q1340*.
Identifiers: ClinVar variation 2851682 (VCV002851682.3), dbSNP rs2497062855, ClinGen allele CA382275496.

ClinVar aggregate classification (germline): Pathogenic (1 of 4 stars; one submission).

Conditions:
Jeune thoracic dystrophy. Also called: Jeune syndrome; Infantile thoracic dystrophy; Thoracic pelvic phalangeal dystrophy; Jeune's syndrome; Chondroectodermal dysplasia-like syndrome; Short-rib thoracic dysplasia. Identifiers: Orphanet 474, MedGen C0265275, MONDO:0018770.

Allele frequency attached by ClinVar (database versions not stated): gnomAD exomes below 0.00001.
gnomAD v4.1: 2 of 1,613,310 alleles (0.00012%); highest among the groups gnomAD compares: Non-Finnish European, 0.00017%; no homozygotes.

Submission:

Labcorp Genetics (formerly Invitae), Labcorp
Classification: Pathogenic for Jeune thoracic dystrophy. Last evaluated: 2023-04-18. Review status: criteria provided, single submitter. Criteria: Invitae Variant Classification Sherloc (09022015). Collection method: clinical testing. Allele origin: germline.
Comment: For these reasons, this variant has been classified as Pathogenic. Algorithms developed to predict the effect of sequence changes on RNA splicing suggest that this variant may create or strengthen a splice site. This variant has not been reported in the literature in individuals affected with DYNC2H1-related conditions. This variant is not present in population databases (gnomAD no frequency). This sequence change creates a premature translational stop signal (p.Gln1340*) in the DYNC2H1 gene. It is expected to result in an absent or disrupted protein product. Loss-of-function variants in DYNC2H1 are known to be pathogenic (PMID: 23339108, 32753734).

Literature cited by the submitters: PubMed 23339108; PubMed 32753734.